The following is an entry in ClinVar:

ClinVar aggregate classification (germline): Uncertain significance (1 of 4 stars; one submission).

Conditions:
Hereditary breast ovarian cancer syndrome. Also called: Hereditary breast and ovarian cancer syndrome (HBOC); Hereditary breast and ovarian cancer; Breast and ovarian cancer; Hereditary breast and/or ovarian cancer syndrome; BRCA1- and BRCA2-Associated Hereditary Breast and Ovarian Cancer; Hereditary breast and ovarian cancer syndrome. Identifiers: Orphanet 145, MedGen C0677776, MeSH D061325, MONDO:0003582. Disease mechanism: loss of function.

Submission:

Labcorp Genetics (formerly Invitae), Labcorp
Classification: Uncertain significance for Hereditary breast ovarian cancer syndrome. Last evaluated: 2025-09-01. Review status: criteria provided, single submitter. Criteria: Invitae Variant Classification Sherloc (09022015). Collection method: clinical testing. Allele origin: germline.
Comment: This sequence change replaces aspartic acid, which is acidic and polar, with glycine, which is neutral and non-polar, at codon 3261 of the BRCA2 protein (p.Asp3261Gly). This variant is not present in population databases (gnomAD no frequency). This variant has not been reported in the literature in individuals affected with BRCA2-related conditions. Invitae Evidence Modeling of protein sequence and biophysical properties (such as structural, functional, and spatial information, amino acid conservation, physicochemical variation, residue mobility, and thermodynamic stability) indicates that this missense variant is not expected to disrupt BRCA2 protein function with a negative predictive value of 95%. In summary, the available evidence is currently insufficient to determine the role of this variant in disease. Therefore, it has been classified as a Variant of Uncertain Significance.

NM_000059.4(BRCA2):c.9782A>G (p.Asp3261Gly)

Gene: BRCA2 (BRCA2 DNA repair associated; plus strand). Cytogenetic location: 13q13.1.
Variant type: single nucleotide variant.
Coding change: c.9782A>G on transcript NM_000059.4 (MANE Select); coding-DNA position 9782, A replaced by G.
Protein change: p.Asp3261Gly; replaces aspartic acid 3261 with glycine.
Molecular consequence: missense variant. On other transcripts: non-coding transcript variant (1).
Genome position (GRCh38, 1-based): chr13:32,398,295, A>G. VCF-style: chr13-32398295-A-G. GRCh37 (hg19) VCF-style: chr13-32972432-A-G.
Other names: c.9686A>G, p.Asp3229Gly (NM_001406719.1); c.9731A>G, p.Asp3244Gly (NM_001406720.1); c.4850A>G, p.Asp1617Gly (NM_001406721.1); c.3365A>G, p.Asp1122Gly (NM_001406722.1); c.9782A>G, p.Asp3261Gly (NM_001432077.1); short protein forms D1122G, D1617G, D3229G, D3244G, D3261G.
Identifiers: ClinVar variation 4802367 (VCV004802367.1).
Genomic context (GRCh38, chr13:32,398,295, plus strand): 5'-CCACACCTGTCTCAGCCCAGATGACTTCAAAGTCTTGTAAAGGGGAGAAAGAGATTGATG[A>G]CCAAAAGAACTGCAAAAAGAGAAGAGCCTTGGATTTCTTGAGTAGACTGCCTTTACCTCC-3'
Protein context (NP_000050.3, residues 3251-3271): KSCKGEKEID[Asp3261Gly]QKNCKKRRAL